The following is an entry in ClinVar:

ClinVar aggregate classification (germline): Uncertain significance (1 of 4 stars; one submission).

Conditions:
Familial hemophagocytic lymphohistiocytosis 3 (FHL3). Also called: UNC13D-Related Familial Hemophagocytic Lymphohistiocytosis (UNC13D-fHLH). Identifiers: Orphanet 540, MedGen C1837174, MONDO:0012146, OMIM 608898.

Allele frequency attached by ClinVar (database versions not stated): gnomAD 0.00001.

Submission:

Labcorp Genetics (formerly Invitae), Labcorp
Classification: Uncertain significance for Familial hemophagocytic lymphohistiocytosis 3. Last evaluated: 2025-05-19. Review status: criteria provided, single submitter. Criteria: Invitae Variant Classification Sherloc (09022015). Collection method: clinical testing. Allele origin: germline.
Comment: This sequence change replaces glutamine, which is neutral and polar, with proline, which is neutral and non-polar, at codon 463 of the UNC13D protein (p.Gln463Pro). This variant is not present in population databases (gnomAD no frequency). This missense change has been observed in individual(s) with familial haemophagocytic lymphohistiocytosis (PMID: 23672263). In at least one individual the data is consistent with being in trans (on the opposite chromosome) from a pathogenic variant. ClinVar contains an entry for this variant (Variation ID: 2138106). An algorithm developed to predict the effect of missense changes on protein structure and function (PolyPhen-2) suggests that this variant is likely to be tolerated. In summary, the available evidence is currently insufficient to determine the role of this variant in disease. Therefore, it has been classified as a Variant of Uncertain Significance.

Literature cited by the submitters: PubMed 23672263.

NM_199242.3(UNC13D):c.1388A>C (p.Gln463Pro)

Gene: UNC13D (unc-13 homolog D; minus strand). Cytogenetic location: 17q25.1.
Variant type: single nucleotide variant.
Coding change: c.1388A>C on transcript NM_199242.3 (MANE Select); coding-DNA position 1388, A replaced by C.
Protein change: p.Gln463Pro; replaces glutamine 463 with proline.
Molecular consequence: missense variant.
Genome position (GRCh38, 1-based): chr17:75,836,340, T>G on the plus strand (A>C on the coding strand, the complement: UNC13D is on the minus strand). VCF-style: chr17-75836340-T-G. GRCh37 (hg19) VCF-style: chr17-73832421-T-G.
Other names: short protein forms Q463P.
Identifiers: ClinVar variation 2138106 (VCV002138106.4), dbSNP rs950983756, ClinGen allele CA294087066.
Genomic context (GRCh38, chr17:75,836,340, plus strand): 5'-AGGGAGGGACTGCCAGGCCCAGGCGCTGGTCTCCCCCATCCCCAGCGCGAGTACCATACC[T>G]GCAGGGCCTCAGTCACCAGCTGGGGCAATGGGGCGGTGTTGGGGCACAGTTCTCCAAAGG-3'
Protein context (NP_954712.1, residues 453-473): PLPQLVTEAL[Gln463Pro]TGTTEWFHLK